The following is an entry in ClinVar:

ClinVar aggregate classification (germline): Uncertain significance (1 of 4 stars; one submission).

Conditions:
Acute myeloid leukemia (AML). Also called: Leukemia, acute myeloid, somatic; Leukemia, acute myelogenous, somatic; Acute myeloid leukemia, adult; AML adult; Acute non-lymphocytic leukemia; Acute granulocytic leukemia. Identifiers: Orphanet 519, MedGen C0023467, MeSH D015470, MONDO:0018874, OMIM 601626, HP:0004808. Disease mechanism: Constitutively activated FLT3.

Submission:

Labcorp Genetics (formerly Invitae), Labcorp
Classification: Uncertain significance for Acute myeloid leukemia. Last evaluated: 2021-05-08. Review status: criteria provided, single submitter. Criteria: Invitae Variant Classification Sherloc (09022015). Collection method: clinical testing. Allele origin: germline.
Comment: In summary, the available evidence is currently insufficient to determine the role of this variant in disease. Therefore, it has been classified as a Variant of Uncertain Significance. Algorithms developed to predict the effect of missense changes on protein structure and function output the following: SIFT: "Tolerated"; PolyPhen-2: "Benign"; Align-GVGD: "Class C0". The threonine amino acid residue is found in multiple mammalian species, suggesting that this missense change does not adversely affect protein function. These predictions have not been confirmed by published functional studies and their clinical significance is uncertain. This variant has not been reported in the literature in individuals with CEBPA-related conditions. This variant is not present in population databases (ExAC no frequency). This sequence change replaces alanine with threonine at codon 271 of the CEBPA protein (p.Ala271Thr). The alanine residue is weakly conserved and there is a small physicochemical difference between alanine and threonine.

NM_004364.5(CEBPA):c.811G>A (p.Ala271Thr)

Gene: CEBPA (CCAAT enhancer binding protein alpha; minus strand). Cytogenetic location: 19q13.11.
Variant type: single nucleotide variant.
Coding change: c.811G>A on transcript NM_004364.5 (MANE Select); coding-DNA position 811, G replaced by A.
Protein change: p.Ala271Thr; replaces alanine 271 with threonine.
Molecular consequence: missense variant.
Genome position (GRCh38, 1-based): chr19:33,301,604, C>T on the plus strand (G>A on the coding strand, the complement: CEBPA is on the minus strand). VCF-style: chr19-33301604-C-T. GRCh37 (hg19) VCF-style: chr19-33792510-C-T.
Other names: c.454G>A, p.Ala152Thr (NM_001285829.2); c.916G>A, p.Ala306Thr (NM_001287424.2); c.769G>A, p.Ala257Thr (NM_001287435.2); short protein forms A271T, A306T, A152T, A257T.
Identifiers: ClinVar variation 1504633 (VCV001504633.8), dbSNP rs756632245, ClinGen allele CA405274166.